The following is an entry in ClinVar:

NM_001846.4(COL4A2):c.2185G>A (p.Gly729Arg)

Gene: COL4A2 (collagen type IV alpha 2 chain; plus strand). Cytogenetic location: 13q34.
Variant type: single nucleotide variant.
Coding change: c.2185G>A on transcript NM_001846.4 (MANE Select); coding-DNA position 2185, G replaced by A.
Protein change: p.Gly729Arg; replaces glycine 729 with arginine.
Molecular consequence: missense variant.
Genome position (GRCh38, 1-based): chr13:110,469,306, G>A. VCF-style: chr13-110469306-G-A. GRCh37 (hg19) VCF-style: chr13-111121653-G-A.
Other names: short protein forms G729R.
Identifiers: ClinVar variation 496734 (VCV000496734.13), dbSNP rs201058867, ClinGen allele CA7049867.

ClinVar aggregate classification (germline): Conflicting classifications of pathogenicity. Review status: criteria provided, conflicting classifications (1 of 4 stars). 5 submissions from 5 submitters: Uncertain significance (3); Likely benign (1). 1 of the submissions does not count toward it. Last evaluated 2025-03-05.

Conditions:
COL4A2-related disorder. Also called: COL4A2-related disorders; COL4A2-related condition.
Optic nerve hypoplasia. Identifiers: MedGen C0338502, HP:0000609.

Allele frequency attached by ClinVar (database versions not stated): gnomAD 0.00016; ExAC 0.00036; TOPMed 0.00015; gnomAD exomes 0.00017.

Submissions (5):

Labcorp Genetics (formerly Invitae), Labcorp
Classification: Likely benign. Last evaluated: 2025-03-05. Review status: criteria provided, single submitter. Criteria: Invitae Variant Classification Sherloc (09022015). Collection method: clinical testing. Allele origin: germline.

Women's Health and Genetics/Laboratory Corporation of America, LabCorp
Classification: Uncertain significance. Last evaluated: 2023-03-28. Review status: criteria provided, single submitter. Criteria: LabCorp Variant Classification Summary - May 2015. Collection method: clinical testing. Allele origin: germline.
Comment: Variant summary: COL4A2 c.2185G>A (p.Gly729Arg) results in a non-conservative amino acid change to a highly conserved residue located in a Collagen triple helix repeat (IPR008160) of the encoded protein sequence. Five of five in-silico tools predict a damaging effect of the variant on protein function. The variant allele was found at a frequency of 0.00017 in 200946 control chromosomes, allowing no conclusion about variant significance. c.2185G>A has been reported in the literature in an individual affected with optic nerve hypoplasia and hypertelorism, as well as their unaffected mother (Dahl_2020). This report does not provide unequivocal conclusions about association of the variant with Porencephaly 2. To our knowledge, no experimental evidence demonstrating an impact on protein function has been reported. Two submitters have provided clinical-significance assessments for this variant to ClinVar after 2014, and both classified the variant as uncertain significance. Based on the evidence outlined above, the variant was classified as uncertain significance.

Centre of Medical Genetics, University Hospital Muenster
Classification: Uncertain significance. Last evaluated: 2021-12-08. Review status: criteria provided, single submitter. Criteria: ACMG Guidelines, 2015. Collection method: clinical testing. Allele origin: unknown. Affected: yes. Observed: 1 variant allele, 1 heterozygote.
Comment: ACMG categories: PM2,PP3,BP1

Rare Disease Group, Clinical Genetics, Karolinska Institutet
Classification: Uncertain significance for Optic nerve hypoplasia. Review status: criteria provided, single submitter. Criteria: ACMG Guidelines, 2015. Collection method: research. Allele origin: maternal. Inheritance: Autosomal dominant inheritance. Affected: yes. Observed: 1 variant allele, 1 heterozygote.

PreventionGenetics, part of Exact Sciences
Classification: Uncertain significance for COL4A2-related condition. Last evaluated: 2023-12-01. Review status: no assertion criteria provided. Collection method: clinical testing. Allele origin: germline. Not counted in ClinVar's aggregate classification.
Comment: The COL4A2 c.2185G>A variant is predicted to result in the amino acid substitution p.Gly729Arg. This variant was reported in an individual with optic nerve hypoplasia, but it was inherited from a healthy parent (Dahl et al 2020. PubMed ID: 32040484). This variant is reported in 0.035% of alleles in individuals of European (Non-Finnish) descent in gnomAD. This variant results in a glycine substitution in the collagen triple helical region of the COL4A2 protein, and substitutions of this type are frequently pathogenic (Fidler et al. 2018. PubMed ID: 29632050). At this time, the clinical significance of this variant is uncertain due to the absence of conclusive functional and genetic evidence.

Literature cited by the submitters: PubMed 32040484 (cited by Women's Health and Genetics/Laboratory Corporation of America, LabCorp).